The following is an entry in ClinVar:

NM_002474.3(MYH11):c.5091C>T (p.Ala1697=)

Genes: MYH11 (myosin heavy chain 11; minus strand), NDE1 (nudE neurodevelopment protein 1; plus strand). Cytogenetic location: 16p13.11.
Variant type: single nucleotide variant.
Coding change: c.5091C>T on transcript NM_002474.3 (MANE Select); coding-DNA position 5091, C replaced by T.
Protein change: p.Ala1697=; no amino-acid change (alanine 1697 retained).
Molecular consequence: synonymous variant. On other transcripts: intron variant (2).
Genome position (GRCh38, 1-based): chr16:15,719,300, G>A on the plus strand (C>T on the coding strand, the complement: MYH11 is on the minus strand). VCF-style: chr16-15719300-G-A. GRCh37 (hg19) VCF-style: chr16-15813157-G-A.
Other names: c.5112C>T, p.Ala1704= (NM_001040113.2, NM_001040114.2); c.5091C>T, p.Ala1697= (NM_022844.3); c.948-4891G>A (NM_001143979.2, NM_017668.3).
Identifiers: ClinVar variation 1101992 (VCV001101992.12), dbSNP rs996178983, ClinGen allele CA278596964.

ClinVar aggregate classification (germline): Likely benign. Review status: criteria provided, multiple submitters, no conflicts (2 of 4 stars). 4 submissions from 4 submitters: Likely benign (4). Last evaluated 2025-11-22.

Conditions:
Aortic aneurysm, familial thoracic 4 (AAT4). Also called: AORTIC ANEURYSM/AORTIC DISSECTION AND PATENT DUCTUS ARTERIOSUS. Identifiers: MedGen C1851504, MONDO:0007568, OMIM 132900.
Familial thoracic aortic aneurysm and aortic dissection (TAAD). Also called: Thoracic aortic aneurysms and dissections. Identifiers: Orphanet 91387, MedGen C4707243, MONDO:0019625.

Allele frequency attached by ClinVar (database versions not stated): TOPMed below 0.00001; gnomAD 0.00001; gnomAD exomes 0.00001 and 0.00002.
gnomAD v4.1: 19 of 1,611,224 alleles (0.0012%); highest among the groups gnomAD compares: Admixed American, 0.005%; no homozygotes.

Submissions (4):

Labcorp Genetics (formerly Invitae), Labcorp
Classification: Likely benign for Aortic aneurysm, familial thoracic 4. Last evaluated: 2025-11-22. Review status: criteria provided, single submitter. Criteria: Invitae Variant Classification Sherloc (09022015). Collection method: clinical testing. Allele origin: germline.

Blueprint Genetics
Classification: Likely benign. Last evaluated: 2024-08-22. Review status: criteria provided, single submitter. Criteria: ACMG Guidelines, 2015. Collection method: clinical testing. Allele origin: germline.

All of Us Research Program, National Institutes of Health
Classification: Likely benign for Familial thoracic aortic aneurysm and aortic dissection. Last evaluated: 2023-12-13. Review status: criteria provided, single submitter. Criteria: ACMG Guidelines, 2015. Collection method: clinical testing. Allele origin: germline. Inheritance: Autosomal dominant inheritance. Observed: 3 variant alleles, 3 heterozygotes.
Comment: This study involves interpretation of variants in research participants for the purpose of population health screening. Participant phenotype was not available at the time of variant classification. Additional details can be found in publication PMID: 35346344, PMCID: PMC8962531

Color Diagnostics, LLC DBA Color Health
Classification: Likely benign for Familial thoracic aortic aneurysm and aortic dissection. Last evaluated: 2022-03-08. Review status: criteria provided, single submitter. Criteria: ACMG Guidelines, 2015. Collection method: clinical testing. Allele origin: germline.